The following is an entry in ClinVar:

ClinVar aggregate classification (germline): Uncertain significance (1 of 4 stars; one submission).

Conditions:
SPTBN1-related disorder. Also called: SPTBN1-related condition.

Submission:

PreventionGenetics, part of Exact Sciences
Classification: Uncertain significance for SPTBN1-related condition. Last evaluated: 2026-04-28. Review status: criteria provided, single submitter. Criteria: ACMG Guidelines, 2015. Collection method: clinical testing. Allele origin: germline.
Comment: The SPTBN1 c.2179delG variant is predicted to result in a frameshift and premature protein termination (p.Ala727Profs*3). To our knowledge, this variant has not been reported in the literature or in a large population database (gnomAD), indicating this variant is rare. Only a small number of premature termination variants have been reported in SPTBN1 having association with neurodevelopmental disease (see for example, Rosenfeld et al. 2021. PubMed ID: 33847457). Although we suspect that this variant may be pathogenic, at this time, the clinical significance of this variant is uncertain due to the absence of conclusive functional and genetic evidence.

NM_003128.3(SPTBN1):c.2179del (p.Ala727fs)

Gene: SPTBN1 (spectrin beta, non-erythrocytic 1; plus strand). Cytogenetic location: 2p16.2.
Variant type: Deletion.
Coding change: c.2179del on transcript NM_003128.3 (MANE Select); coding-DNA position 2179, one base deleted (G; older notation c.2179delG).
Protein change: p.Ala727fs; shifts the reading frame from alanine 727.
Molecular consequence: frameshift variant.
Genome position (GRCh38, 1-based): chr2:54,629,313, G deleted; the last of 3 consecutive G bases (chr2:54,629,311-54,629,313); deleting any one gives the same sequence. VCF-style (leftmost placement, unchanged base first): chr2-54629310-TG-T. GRCh37 (hg19) VCF-style: chr2-54856447-TG-T.
Other names: c.2140del, p.Ala714fs (NM_178313.3); short protein forms A714fs, A727fs.
Identifiers: ClinVar variation 4991397 (VCV004991397.1).